The following is an entry in ClinVar:

NM_001754.5(RUNX1):c.968-2A>G

Gene: RUNX1 (RUNX family transcription factor 1; minus strand). Cytogenetic location: 21q22.12.
Variant type: single nucleotide variant.
Coding change: c.968-2A>G on transcript NM_001754.5 (MANE Select); the canonical splice acceptor site of the intron before coding-DNA position 968, A replaced by G.
Molecular consequence: splice acceptor variant.
Genome position (GRCh38, 1-based): chr21:34,792,612, T>C on the plus strand (A>G on the coding strand, the complement: RUNX1 is on the minus strand). VCF-style: chr21-34792612-T-C. GRCh37 (hg19) VCF-style: chr21-36164909-T-C.
Other names: NM_001754.5:c.968-2A>G; NC_000021.8:g.36164909T>C; c.887-2A>G (NM_001001890.3).
Identifiers: ClinVar variation 3775089 (VCV003775089.2).

ClinVar aggregate classification (germline): Uncertain significance (3 of 4 stars; one submission).

Conditions:
Hereditary thrombocytopenia and hematologic cancer predisposition syndrome. Identifiers: Orphanet 71290, MedGen CN281654, MONDO:0011071.

Submissions (2):

ClinGen Myeloid Malignancy Variant Curation Expert Panel
Classification: Uncertain significance for Hereditary thrombocytopenia and hematologic cancer predisposition syndrome. Last evaluated: 2025-01-15. Review status: reviewed by expert panel. Criteria: ClinGen MyeloMalig ACMG Specifications v2. Collection method: curation. Allele origin: germline. Inheritance: Autosomal dominant inheritance.
Comment: NM_001754.5(RUNX1):c.968-2A>G is a splice site variant which is predicted to cause an acceptor loss. This change affects 33% of the remaining protein and is not predicted to impact NMD (PVS1_strong). This variant is completely absent from all population databases with at least 20x coverage for RUNX1 (PM2_supporting). In summary, the clinical significance of this variant is uncertain. ACMG/AMP criteria applied, as specified by the Myeloid Malignancy Variant Curation Expert Panel for RUNX1: PM2_supporting, PVS1_strong.

Dr. Peter K. Rogan Lab, Western University
No classification provided (evidence only). Condition: Thyroid cancer, nonmedullary, 1. Review status: no classification provided. Collection method: in vitro. Allele origin: not applicable. Functional consequence: retained intron. Not counted in ClinVar's aggregate classification.